The following is an entry in ClinVar:

NM_000038.6(APC):c.6743A>G (p.Lys2248Arg)

Gene: APC (APC regulator of Wnt signaling pathway; plus strand). Cytogenetic location: 5q22.2.
Variant type: single nucleotide variant.
Coding change: c.6743A>G on transcript NM_000038.6 (MANE Select); coding-DNA position 6743, A replaced by G.
Protein change: p.Lys2248Arg; replaces lysine 2248 with arginine.
Molecular consequence: missense variant.
Genome position (GRCh38, 1-based): chr5:112,842,337, A>G. VCF-style: chr5-112842337-A-G. GRCh37 (hg19) VCF-style: chr5-112178034-A-G.
Other names: c.6743A>G, p.Lys2248Arg (NM_001127510.3, NM_001354895.2); c.6689A>G, p.Lys2230Arg (NM_001127511.3); c.6797A>G, p.Lys2266Arg (NM_001354896.2); c.6773A>G, p.Lys2258Arg (NM_001354897.2); c.6668A>G, p.Lys2223Arg (NM_001354898.2); c.6659A>G, p.Lys2220Arg (NM_001354899.2); c.6620A>G, p.Lys2207Arg (NM_001354900.2); c.6566A>G, p.Lys2189Arg (NM_001354901.2); and 5 more; short protein forms K2207R, K2258R, K2088R, K2220R, K2223R, K2266R, K1965R, K2122R.
Identifiers: ClinVar variation 859424 (VCV000859424.9), dbSNP rs1766290814, ClinGen allele CA16036067.

ClinVar aggregate classification (germline): Uncertain significance (1 of 4 stars; one submission).

Conditions:
Familial adenomatous polyposis 1 (FAP1). Also called: POLYPOSIS, ADENOMATOUS INTESTINAL; FAMILIAL ADENOMATOUS POLYPOSIS 1, ATTENUATED. Identifiers: MedGen C2713442, MONDO:0021056, OMIM 175100. Disease mechanism: loss of function.

Allele frequency attached by ClinVar (database versions not stated): gnomAD exomes below 0.00001.
gnomAD v4.1: 1 of 1,613,954 alleles (0.000062%); highest among the groups gnomAD compares: Non-Finnish European, 0.000085%; no homozygotes.

Submission:

Labcorp Genetics (formerly Invitae), Labcorp
Classification: Uncertain significance for Familial adenomatous polyposis 1. Last evaluated: 2025-08-11. Review status: criteria provided, single submitter. Criteria: Invitae Variant Classification Sherloc (09022015). Collection method: clinical testing. Allele origin: germline.
Comment: This sequence change replaces lysine, which is basic and polar, with arginine, which is basic and polar, at codon 2248 of the APC protein (p.Lys2248Arg). This variant is not present in population databases (gnomAD no frequency). This variant has not been reported in the literature in individuals affected with APC-related conditions. ClinVar contains an entry for this variant (Variation ID: 859424). Invitae Evidence Modeling of protein sequence and biophysical properties (such as structural, functional, and spatial information, amino acid conservation, physicochemical variation, residue mobility, and thermodynamic stability) indicates that this missense variant is not expected to disrupt APC protein function with a negative predictive value of 95%. In summary, the available evidence is currently insufficient to determine the role of this variant in disease. Therefore, it has been classified as a Variant of Uncertain Significance.